The following is an entry in ClinVar:

NM_031471.6(FERMT3):c.862G>A (p.Glu288Lys)

Gene: FERMT3 (FERM domain containing kindlin 3; plus strand). Cytogenetic location: 11q13.1.
Variant type: single nucleotide variant.
Coding change: c.862G>A on transcript NM_031471.6 (MANE Select); coding-DNA position 862, G replaced by A.
Protein change: p.Glu288Lys; replaces glutamic acid 288 with lysine.
Molecular consequence: missense variant.
Genome position (GRCh38, 1-based): chr11:64,219,326, G>A. VCF-style: chr11-64219326-G-A. GRCh37 (hg19) VCF-style: chr11-63986798-G-A.
Other names: c.862G>A, p.Glu288Lys (NM_001382361.1, NM_001382362.1, NM_001382448.1 and 1 more transcripts); c.322G>A, p.Glu108Lys (NM_001382363.1, NM_001382364.1); short protein forms E108K, E288K.
Identifiers: ClinVar variation 956072 (VCV000956072.7), dbSNP rs1294902127, ClinGen allele CA381084765.
Genomic context (GRCh38, chr11:64,219,326, plus strand): 5'-CTGACACAGCTGTATGAGCAGGCCCGGTGGGACCTGCTGCTGGAGGAGATTGACTGCACC[G>A]AGGAGGAGATGATGGTGTTTGCCGCCCTGCAGGTACCAGGCGGGCCTGGGGGCACCAGGG-3'
Protein context (NP_113659.3, residues 278-298): DLLLEEIDCT[Glu288Lys]EEMMVFAALQ

ClinVar aggregate classification (germline): Uncertain significance (1 of 4 stars; one submission).

Conditions:
Leukocyte adhesion deficiency 3. Also called: INTEGRIN ACTIVATION DEFICIENCY DISEASE; LEUKOCYTE ADHESION DEFICIENCY 1 VARIANT; Leukocyte adhesion deficiency, type III. Identifiers: Orphanet 2968, Orphanet 99844, MedGen C2748536, MONDO:0013016, OMIM 612840.

Allele frequency attached by ClinVar (database versions not stated): gnomAD exomes below 0.00001.
gnomAD v4.1: 4 of 1,607,838 alleles (0.00025%); highest among the groups gnomAD compares: East Asian, 0.0022%; no homozygotes.

Submission:

Labcorp Genetics (formerly Invitae), Labcorp
Classification: Uncertain significance for Leukocyte adhesion deficiency 3. Last evaluated: 2022-03-19. Review status: criteria provided, single submitter. Criteria: Invitae Variant Classification Sherloc (09022015). Collection method: clinical testing. Allele origin: germline.
Comment: This sequence change replaces glutamic acid, which is acidic and polar, with lysine, which is basic and polar, at codon 288 of the FERMT3 protein (p.Glu288Lys). This variant is not present in population databases (gnomAD no frequency). This variant has not been reported in the literature in individuals affected with FERMT3-related conditions. ClinVar contains an entry for this variant (Variation ID: 956072). Algorithms developed to predict the effect of missense changes on protein structure and function are either unavailable or do not agree on the potential impact of this missense change (SIFT: "Deleterious"; PolyPhen-2: "Probably Damaging"; Align-GVGD: "Class C0"). In summary, the available evidence is currently insufficient to determine the role of this variant in disease. Therefore, it has been classified as a Variant of Uncertain Significance.